The following is an entry in ClinVar:

ClinVar aggregate classification (germline): Uncertain significance (1 of 4 stars; one submission).

Conditions:
Noonan syndrome 9 (NS9). Identifiers: Orphanet 648, MedGen C4225282, MONDO:0014691, OMIM 616559.

Submission:

Labcorp Genetics (formerly Invitae), Labcorp
Classification: Uncertain significance for Noonan syndrome 9. Last evaluated: 2025-02-18. Review status: criteria provided, single submitter. Criteria: Invitae Variant Classification Sherloc (09022015). Collection method: clinical testing. Allele origin: germline.
Comment: This sequence change replaces methionine, which is neutral and non-polar, with leucine, which is neutral and non-polar, at codon 219 of the SOS2 protein (p.Met219Leu). This variant is not present in population databases (gnomAD no frequency). This variant has not been reported in the literature in individuals affected with SOS2-related conditions. Invitae Evidence Modeling of protein sequence and biophysical properties (such as structural, functional, and spatial information, amino acid conservation, physicochemical variation, residue mobility, and thermodynamic stability) indicates that this missense variant is not expected to disrupt SOS2 protein function with a negative predictive value of 95%. In summary, the available evidence is currently insufficient to determine the role of this variant in disease. Therefore, it has been classified as a Variant of Uncertain Significance.

NM_006939.4(SOS2):c.655A>C (p.Met219Leu)

Gene: SOS2 (SOS Ras/Rho guanine nucleotide exchange factor 2; minus strand). Cytogenetic location: 14q21.3.
Variant type: single nucleotide variant.
Coding change: c.655A>C on transcript NM_006939.4 (MANE Select); coding-DNA position 655, A replaced by C.
Protein change: p.Met219Leu; replaces methionine 219 with leucine.
Molecular consequence: missense variant.
Genome position (GRCh38, 1-based): chr14:50,188,556, T>G on the plus strand (A>C on the coding strand, the complement: SOS2 is on the minus strand). VCF-style: chr14-50188556-T-G. GRCh37 (hg19) VCF-style: chr14-50655274-T-G.
Other names: c.655A>C, p.Met219Leu (NM_001411020.1); short protein forms M219L.
Identifiers: ClinVar variation 4768278 (VCV004768278.1).
Genomic context (GRCh38, chr14:50,188,556, plus strand): 5'-CAGAAGGTTTAAACAGCTTTCTATCAGAAAGAAAGGCTTCTCGAAACACTTTTATGATCA[T>G]ATTTAATTCCCGTAGATACTGTCTTTCTTCTGCGATTTCAGTTCTGACAAGATCATAGTA-3'
Protein context (NP_008870.2, residues 209-229): EERQYLRELN[Met219Leu]IIKVFREAFL